The following is an entry in ClinVar:

NM_007254.4(PNKP):c.1484_1502del (p.Phe495fs)

Gene: PNKP (polynucleotide kinase 3'-phosphatase; minus strand). Cytogenetic location: 19q13.33.
Variant type: Deletion.
Coding change: c.1484_1502del on transcript NM_007254.4 (MANE Select); coding-DNA positions 1484 to 1502, 19 bases deleted (TCTCTGCCATCCTGGAGAT).
Protein change: p.Phe495fs; shifts the reading frame from phenylalanine 495.
Molecular consequence: frameshift variant.
Genome position (GRCh38, 1-based): chr19:49,861,312-49,861,330, ATCTCCAGGATGGCAGAGA deleted on the plus strand (TCTCTGCCATCCTGGAGAT on the coding strand, the reverse complement: PNKP is on the minus strand); deleting any 19 consecutive bases within chr19:49,861,312-49,861,331 gives the same sequence; the c. name uses the placement nearest the transcript's 3' end. VCF-style (leftmost placement, unchanged base first): chr19-49861311-GATCTCCAGGATGGCAGAGA-G. GRCh37 (hg19) VCF-style: chr19-50364568-GATCTCCAGGATGGCAGAGA-G.
Other names: short protein forms F495fs.
Identifiers: ClinVar variation 3646551 (VCV003646551.2).
Genomic context (GRCh38, chr19:49,861,311, plus strand): 5'-GCCCTCGGAGAACTGGCAGTACAGCCGCCCCAGCCTCGGCTCCACCCATAGCCGGAACGG[GATCTCCAGGATGGCAGAGA>G]AGCCTTCAGCCAGCGTTGGGGCCTCGAACTGCTTCCTGGCAGTGGTGGGAACAGTGAGGG-3'

ClinVar aggregate classification (germline): Pathogenic (1 of 4 stars; one submission).

Conditions:
Developmental and epileptic encephalopathy, 12 (DEE12). Identifiers: MedGen C3150988, MONDO:0013389, OMIM 613722.

Submission:

Labcorp Genetics (formerly Invitae), Labcorp
Classification: Pathogenic for Developmental and epileptic encephalopathy, 12. Last evaluated: 2024-03-26. Review status: criteria provided, single submitter. Criteria: Invitae Variant Classification Sherloc (09022015). Collection method: clinical testing. Allele origin: germline.
Comment: This sequence change results in a frameshift in the PNKP gene (p.Phe495Serfs*?). While this is not anticipated to result in nonsense mediated decay, it is expected to disrupt the last 27 amino acid(s) of the PNKP protein and extend the protein. This variant is not present in population databases (gnomAD no frequency). This variant has not been reported in the literature in individuals affected with PNKP-related conditions. This variant disrupts a region of the PNKP protein in which other variant(s) (p.Gln517*) have been determined to be pathogenic (PMID: 30039206). This suggests that this is a clinically significant region of the protein, and that variants that disrupt it are likely to be disease-causing. For these reasons, this variant has been classified as Pathogenic.

Literature cited by the submitters: PubMed 30039206.